The following is an entry in ClinVar:

ClinVar aggregate classification (germline): Uncertain significance (1 of 4 stars; one submission).

Conditions:
Hereditary cancer-predisposing syndrome. Also called: Neoplastic Syndromes, Hereditary; Tumor predisposition; Hereditary Cancer Syndrome; Hereditary neoplastic syndrome. Identifiers: Orphanet 140162, MedGen C0027672, MeSH D009386, MONDO:0015356.

Submission:

Ambry Genetics
Classification: Uncertain significance for Hereditary cancer-predisposing syndrome. Last evaluated: 2017-03-23. Review status: criteria provided, single submitter. Criteria: Ambry Variant Classification Scheme 2023. Collection method: clinical testing. Allele origin: germline.
Comment: The p.R1730G variant (also known as c.5188C>G), located in coding exon 34 of the ATM gene, results from a C to G substitution at nucleotide position 5188. The arginine at codon 1730 is replaced by glycine, an amino acid with dissimilar properties. This amino acid position is highly conserved in available vertebrate species. In addition, this alteration is predicted to be deleterious by in silico analysis. Since supporting evidence is limited at this time, the clinical significance of this alteration remains unclear.

NM_000051.4(ATM):c.5188C>G (p.Arg1730Gly)

Gene: ATM (ATM serine/threonine kinase; plus strand). Cytogenetic location: 11q22.3.
Variant type: single nucleotide variant.
Coding change: c.5188C>G on transcript NM_000051.4 (MANE Select); coding-DNA position 5188, C replaced by G.
Protein change: p.Arg1730Gly; replaces arginine 1730 with glycine.
Molecular consequence: missense variant.
Genome position (GRCh38, 1-based): chr11:108,301,658, C>G. VCF-style: chr11-108301658-C-G. GRCh37 (hg19) VCF-style: chr11-108172385-C-G.
Other names: c.5188C>G, p.Arg1730Gly (NM_001351834.2); short protein forms R1730G.
Identifiers: ClinVar variation 485225 (VCV000485225.5), dbSNP rs764389018, ClinGen allele CA382542129.
Genomic context (GRCh38, chr11:108,301,658, plus strand): 5'-CAAGATTAATAACTGGTGTACTTGATAGGCATTTGAATTGTTTTTTTCAGTGTCAAAGTT[C>G]GATCAGCAGCTGTTACCTGTTTGAAAAACATTTTAGCCACAAAGACTGGACATAGTTTCT-3'
Protein context (NP_000042.3, residues 1720-1740): NTLVEDCVKV[Arg1730Gly]SAAVTCLKNI